The following is an entry in ClinVar:

ClinVar aggregate classification (germline): Uncertain significance (1 of 4 stars; one submission).

Conditions:
Dyskeratosis congenita. Identifiers: Orphanet 1775, MedGen C0265965, MONDO:0015780.

Submission:

Ambry Genetics
Classification: Uncertain significance for Dyskeratosis congenita. Last evaluated: 2023-01-12. Review status: criteria provided, single submitter. Criteria: Ambry Variant Classification Scheme 2023. Collection method: clinical testing. Allele origin: germline.
Comment: The p.H534L variant (also known as c.1601A>T), located in coding exon 3 of the TERT gene, results from an A to T substitution at nucleotide position 1601. The histidine at codon 534 is replaced by leucine, an amino acid with similar properties. This amino acid position is highly conserved in available vertebrate species. In addition, the in silico prediction for this alteration is inconclusive. Since supporting evidence is limited at this time, the clinical significance of this alteration remains unclear.

NM_198253.3(TERT):c.1601A>T (p.His534Leu)

Gene: TERT (telomerase reverse transcriptase; minus strand). Cytogenetic location: 5p15.33.
Variant type: single nucleotide variant.
Coding change: c.1601A>T on transcript NM_198253.3 (MANE Select); coding-DNA position 1601, A replaced by T.
Protein change: p.His534Leu; replaces histidine 534 with leucine.
Molecular consequence: missense variant. On other transcripts: non-coding transcript variant (2).
Genome position (GRCh38, 1-based): chr5:1,282,597, T>A on the plus strand (A>T on the coding strand, the complement: TERT is on the minus strand). VCF-style: chr5-1282597-T-A. GRCh37 (hg19) VCF-style: chr5-1282712-T-A.
Other names: c.1601A>T, p.His534Leu (NM_001193376.3, NM_003219.1); short protein forms H534L.
Identifiers: ClinVar variation 2496728 (VCV002496728.2), dbSNP rs2478306957, ClinGen allele CA359083528.